The following is an entry in ClinVar:

ClinVar aggregate classification (germline): Uncertain significance (1 of 4 stars; one submission).

Conditions:
Inborn genetic diseases. Identifiers: MedGen C0950123, MeSH D030342.

Submission:

Ambry Genetics
Classification: Uncertain significance for Inborn genetic diseases. Last evaluated: 2020-12-31. Review status: criteria provided, single submitter. Criteria: Ambry Variant Classification Scheme 2023. Collection method: clinical testing. Allele origin: germline.
Comment: The c.877A>G (p.T293A) alteration is located in exon 4 (coding exon 4) of the NOVA2 gene. This alteration results from a A to G substitution at nucleotide position 877, causing the threonine (T) at amino acid position 293 to be replaced by an alanine (A). The p.T293A alteration is predicted to be tolerated by in silico analysis. Based on insufficient or conflicting evidence, the clinical significance of this alteration remains unclear.

NM_002516.4(NOVA2):c.877A>G (p.Thr293Ala)

Gene: NOVA2 (NOVA alternative splicing regulator 2; minus strand). Cytogenetic location: 19q13.32.
Variant type: single nucleotide variant.
Coding change: c.877A>G on transcript NM_002516.4 (MANE Select); coding-DNA position 877, A replaced by G.
Protein change: p.Thr293Ala; replaces threonine 293 with alanine.
Molecular consequence: missense variant.
Genome position (GRCh38, 1-based): chr19:45,940,465, T>C on the plus strand (A>G on the coding strand, the complement: NOVA2 is on the minus strand). VCF-style: chr19-45940465-T-C. GRCh37 (hg19) VCF-style: chr19-46443723-T-C.
Other names: short protein forms T293A.
Identifiers: ClinVar variation 2407977 (VCV002407977.2), dbSNP rs2513852248, ClinGen allele CA406434004.